The following is an entry in ClinVar:

ClinVar aggregate classification (germline): Uncertain significance (1 of 4 stars; one submission).

gnomAD v4.1: 1 of 1,614,260 alleles (0.000062%); highest among the groups gnomAD compares: Non-Finnish European, 0.000085%; no homozygotes.

Submission:

GeneDx
Classification: Uncertain significance. Last evaluated: 2023-06-06. Review status: criteria provided, single submitter. Criteria: GeneDx Variant Classification Process June 2021. Collection method: clinical testing. Allele origin: germline. Affected: yes.
Comment: Not observed at significant frequency in large population cohorts (gnomAD); In silico analysis supports that this missense variant has a deleterious effect on protein structure/function; Has not been previously published as pathogenic or benign to our knowledge; Variants in candidate genes are classified as variants of uncertain significance in accordance with ACMG guidelines (Richards et al., 2015)

NM_018426.3(TMEM63B):c.1187C>T (p.Ser396Leu)

Gene: TMEM63B (transmembrane protein 63B; plus strand). Cytogenetic location: 6p21.1.
Variant type: single nucleotide variant.
Coding change: c.1187C>T on transcript NM_018426.3 (MANE Select); coding-DNA position 1187, C replaced by T.
Protein change: p.Ser396Leu; replaces serine 396 with leucine.
Molecular consequence: missense variant.
Genome position (GRCh38, 1-based): chr6:44,148,578, C>T. VCF-style: chr6-44148578-C-T. GRCh37 (hg19) VCF-style: chr6-44116315-C-T.
Other names: c.1187C>T, p.Ser396Leu (NM_001318792.1); short protein forms S396L.
Identifiers: ClinVar variation 3359496 (VCV003359496.1).